The following is an entry in ClinVar:

ClinVar aggregate classification (germline): Uncertain significance. Review status: criteria provided, multiple submitters, no conflicts (2 of 4 stars). 4 submissions from 4 submitters: Uncertain significance (3). 1 of the submissions does not count toward it. Last evaluated 2022-02-08.

Conditions:
Lysinuric protein intolerance (LPI). Identifiers: Orphanet 470, MedGen C0268647, MONDO:0009109, OMIM 222700.

Allele frequency attached by ClinVar (database versions not stated): gnomAD exomes below 0.00001 and 0.00003; ExAC 0.00001.
gnomAD v4.1: 24 of 1,614,128 alleles (0.0015%); highest among the groups gnomAD compares: Non-Finnish European, 0.002%; no homozygotes.

Submissions (4):

Labcorp Genetics (formerly Invitae), Labcorp
Classification: Uncertain significance for Lysinuric protein intolerance. Last evaluated: 2022-02-08. Review status: criteria provided, single submitter. Criteria: Invitae Variant Classification Sherloc (09022015). Collection method: clinical testing. Allele origin: germline.
Comment: This sequence change replaces isoleucine, which is neutral and non-polar, with asparagine, which is neutral and polar, at codon 252 of the SLC7A7 protein (p.Ile252Asn). This variant is present in population databases (rs760849909, gnomAD 0.0009%). This variant has not been reported in the literature in individuals affected with SLC7A7-related conditions. ClinVar contains an entry for this variant (Variation ID: 946032). Algorithms developed to predict the effect of missense changes on protein structure and function (SIFT, PolyPhen-2, Align-GVGD) all suggest that this variant is likely to be disruptive. In summary, the available evidence is currently insufficient to determine the role of this variant in disease. Therefore, it has been classified as a Variant of Uncertain Significance.

Genome-Nilou Lab
Classification: Uncertain significance for Lysinuric protein intolerance. Last evaluated: 2021-11-07. Review status: criteria provided, single submitter. Criteria: ACMG Guidelines, 2015. Collection method: clinical testing. Allele origin: germline. Affected: no.

GeneDx
Classification: Uncertain significance. Last evaluated: 2020-01-17. Review status: criteria provided, single submitter. Criteria: GeneDx Variant Classification Process June 2021. Collection method: clinical testing. Allele origin: germline. Affected: yes.
Comment: Not observed at a significant frequency in large population cohorts (Lek et al., 2016); Has not been previously published as pathogenic or benign to our knowledge; In silico analysis, which includes protein predictors and evolutionary conservation, supports a deleterious effect

Natera, Inc.
Classification: Uncertain significance for Lysinuric protein intolerance. Last evaluated: 2021-02-19. Review status: no assertion criteria provided. Collection method: clinical testing. Allele origin: germline. Not counted in ClinVar's aggregate classification.

NM_003982.4(SLC7A7):c.755T>A (p.Ile252Asn)

Gene: SLC7A7 (solute carrier family 7 member 7; minus strand). Cytogenetic location: 14q11.2.
Variant type: single nucleotide variant.
Coding change: c.755T>A on transcript NM_003982.4 (MANE Select); coding-DNA position 755, T replaced by A.
Protein change: p.Ile252Asn; replaces isoleucine 252 with asparagine.
Molecular consequence: missense variant.
Genome position (GRCh38, 1-based): chr14:22,778,808, A>T on the plus strand (T>A on the coding strand, the complement: SLC7A7 is on the minus strand). VCF-style: chr14-22778808-A-T. GRCh37 (hg19) VCF-style: chr14-23248017-A-T.
Other names: c.755T>A, p.Ile252Asn (NM_001126105.3, NM_001126106.4); short protein forms I252N.
Identifiers: ClinVar variation 946032 (VCV000946032.11), dbSNP rs760849909, ClinGen allele CA7104613.